The following is an entry in ClinVar:

ClinVar aggregate classification (germline): Uncertain significance (1 of 4 stars; one submission).

gnomAD v4.1: 1 of 152,118 alleles (0.00066%); highest among the groups gnomAD compares: Non-Finnish European, 0.0015%; no homozygotes.

Submission:

Greenwood Genetic Center Diagnostic Laboratories, Greenwood Genetic Center
Classification: Uncertain significance. Last evaluated: 2026-04-29. Review status: criteria provided, single submitter. Criteria: ACMG Guidelines, 2015. Collection method: clinical testing. Allele origin: germline.
Comment: PM2, BP4

NM_000153.4(GALC):c.443-470G>A

Gene: GALC (galactosylceramidase; minus strand). Cytogenetic location: 14q31.3.
Variant type: single nucleotide variant.
Coding change: c.443-470G>A on transcript NM_000153.4 (MANE Select); 470 bases into the intron before coding-DNA position 443, G replaced by A.
Molecular consequence: intron variant.
Genome position (GRCh38, 1-based): chr14:87,985,003, C>T on the plus strand (G>A on the coding strand, the complement: GALC is on the minus strand). VCF-style: chr14-87985003-C-T. GRCh37 (hg19) VCF-style: chr14-88451347-C-T.
Other names: c.-225-470G>A (NM_001424076.1, NM_001424077.1); c.365-470G>A (NM_001201402.2); c.374-470G>A (NM_001201401.2); c.95-470G>A (NM_001424075.1, NM_001424074.1); c.275-470G>A (NM_001424072.1, NM_001424073.1, NM_001424071.1).
Identifiers: ClinVar variation 4891050 (VCV004891050.1).